The following is an entry in ClinVar:

NM_001040142.2(SCN2A):c.3783G>T (p.Trp1261Cys)

Gene: SCN2A (sodium voltage-gated channel alpha subunit 2; plus strand). Cytogenetic location: 2q24.3.
Variant type: single nucleotide variant.
Coding change: c.3783G>T on transcript NM_001040142.2 (MANE Select); coding-DNA position 3783, G replaced by T.
Protein change: p.Trp1261Cys; replaces tryptophan 1261 with cysteine.
Molecular consequence: missense variant.
Genome position (GRCh38, 1-based): chr2:165,370,233, G>T. VCF-style: chr2-165370233-G-T. GRCh37 (hg19) VCF-style: chr2-166226743-G-T.
Other names: c.3783G>T, p.Trp1261Cys (NM_001040143.2, NM_001371246.1, NM_001371247.1 and 1 more transcripts); short protein forms W1261C.
Identifiers: ClinVar variation 3390040 (VCV003390040.14).
Genomic context (GRCh38, chr2:165,370,233, plus strand): 5'-GTTAGAATATGCTGACAAGGTTTTCACTTACATATTCATTCTGGAAATGCTGCTAAAGTG[G>T]GTTGCATATGGTTTTCAAGTGTATTTTACCAATGCCTGGTGCTGGCTAGACTTCCTGATT-3'
Protein context (NP_001035232.1, residues 1251-1271): YIFILEMLLK[Trp1261Cys]VAYGFQVYFT

ClinVar aggregate classification (germline): Uncertain significance (1 of 4 stars; one submission).

Submission:

CeGaT Center for Human Genetics Tuebingen
Classification: Uncertain significance. Last evaluated: 2024-11-01. Review status: criteria provided, single submitter. Criteria: CeGaT Center For Human Genetics Tuebingen Variant Classification Criteria Version 2. Collection method: clinical testing. Allele origin: germline. Affected: yes. Observed: 1 variant allele.
Comment: SCN2A: PM2, PP3